The following is an entry in ClinVar:

ClinVar aggregate classification (germline): Uncertain significance (1 of 4 stars; one submission).

Allele frequency attached by ClinVar (database versions not stated): gnomAD 0.00025; ESP Exome Variant Server 0.00031; TOPMed 0.00025; ExAC 0.00021; gnomAD exomes 0.00040.
gnomAD v4.1: 611 of 1,614,100 alleles (0.038%); highest among the groups gnomAD compares: Non-Finnish European, 0.049%; no homozygotes.

Submission:

Labcorp Genetics (formerly Invitae), Labcorp
Classification: Uncertain significance. Last evaluated: 2023-08-07. Review status: criteria provided, single submitter. Criteria: Invitae Variant Classification Sherloc (09022015). Collection method: clinical testing. Allele origin: germline.
Comment: In summary, the available evidence is currently insufficient to determine the role of this variant in disease. Therefore, it has been classified as a Variant of Uncertain Significance. Advanced modeling of protein sequence and biophysical properties (such as structural, functional, and spatial information, amino acid conservation, physicochemical variation, residue mobility, and thermodynamic stability) performed at Invitae indicates that this missense variant is not expected to disrupt ESR2 protein function. ClinVar contains an entry for this variant (Variation ID: 2052236). This variant has not been reported in the literature in individuals affected with ESR2-related conditions. This variant is present in population databases (rs367855747, gnomAD 0.05%), and has an allele count higher than expected for a pathogenic variant. This sequence change replaces serine, which is neutral and polar, with asparagine, which is neutral and polar, at codon 444 of the ESR2 protein (p.Ser444Asn).

NM_001437.3(ESR2):c.1331G>A (p.Ser444Asn)

Gene: ESR2 (estrogen receptor 2; minus strand). Cytogenetic location: 14q23.2.
Variant type: single nucleotide variant.
Coding change: c.1331G>A on transcript NM_001437.3 (MANE Select); coding-DNA position 1331, G replaced by A.
Protein change: p.Ser444Asn; replaces serine 444 with asparagine.
Molecular consequence: missense variant. On other transcripts: non-coding transcript variant (2).
Genome position (GRCh38, 1-based): chr14:64,235,045, C>T on the plus strand (G>A on the coding strand, the complement: ESR2 is on the minus strand). VCF-style: chr14-64235045-C-T. GRCh37 (hg19) VCF-style: chr14-64701763-C-T.
Other names: c.1331G>A, p.Ser444Asn (NM_001040275.1, NM_001214902.1, NM_001271876.1 and 2 more transcripts); c.1058G>A, p.Ser353Asn (NM_001271877.1); short protein forms S353N, S444N.
Identifiers: ClinVar variation 2052236 (VCV002052236.4), dbSNP rs367855747, ClinGen allele CA7225231.